The following is an entry in ClinVar:

ClinVar aggregate classification (germline): Uncertain significance (1 of 4 stars; one submission).

Submission:

GeneDx
Classification: Uncertain significance. Last evaluated: 2025-01-25. Review status: criteria provided, single submitter. Criteria: GeneDx Variant Classification Process June 2021. Collection method: clinical testing. Allele origin: germline. Affected: yes.
Comment: Not observed at significant frequency in large population cohorts (gnomAD); Has not been previously published as pathogenic or benign to our knowledge; Initiation codon variant in a gene for which loss of function is not a known mechanism of disease

NM_002017.5(FLI1):c.2T>G (p.Met1Arg)

Genes: FLI1 (Fli-1 proto-oncogene, ETS transcription factor; plus strand), SENCR (smooth muscle and endothelial cell enriched migration/differentiation-associated lncRNA; minus strand), LOC128462394 (CRISPRi-FlowFISH-validated ETS1 regulatory element GRCh37_chr11:128563455-128564187; plus strand). Cytogenetic location: 11q24.3.
Variant type: single nucleotide variant.
Coding change: c.2T>G on transcript NM_002017.5 (MANE Select); coding-DNA position 2, T replaced by G.
Protein change: p.Met1Arg; changes the start codon (methionine 1).
Molecular consequence: missense variant, initiator codon variant. On other transcripts: 5 prime UTR variant (2), intron variant (1).
Genome position (GRCh38, 1-based): chr11:128,694,260, T>G. VCF-style: chr11-128694260-T-G. GRCh37 (hg19) VCF-style: chr11-128564155-T-G.
Other names: c.-152T>G (NM_001167681.3); c.-368T>G (NM_001271010.2); c.-203+7559T>G (NM_001271012.2); short protein forms M1R.
Identifiers: ClinVar variation 4071909 (VCV004071909.1).